The following is an entry in ClinVar:

ClinVar aggregate classification (germline): Conflicting classifications of pathogenicity. Review status: criteria provided, conflicting classifications (1 of 4 stars). 3 submissions from 3 submitters: Uncertain significance (1); Likely benign (2). Last evaluated 2025-12-18.

Conditions:
Hereditary cancer-predisposing syndrome. Also called: Tumor predisposition; Neoplastic Syndromes, Hereditary; Hereditary Cancer Syndrome; Hereditary neoplastic syndrome. Identifiers: Orphanet 140162, MedGen C0027672, MeSH D009386, MONDO:0015356.
Tuberous sclerosis 2 (TSC2). Identifiers: Orphanet 805, MedGen C1860707, MONDO:0013199, OMIM 613254.

Submissions (3):

Labcorp Genetics (formerly Invitae), Labcorp
Classification: Likely benign for Tuberous sclerosis 2. Last evaluated: 2025-12-18. Review status: criteria provided, single submitter. Criteria: Invitae Variant Classification Sherloc (09022015). Collection method: clinical testing. Allele origin: germline.

Ambry Genetics
Classification: Uncertain significance for Hereditary cancer-predisposing syndrome. Last evaluated: 2025-12-09. Review status: criteria provided, single submitter. Criteria: Ambry Variant Classification Scheme 2023. Collection method: clinical testing. Allele origin: germline.
Comment: The c.4849+4C>A intronic variant results from a C to A substitution 4 nucleotides after coding exon 36 in the TSC2 gene. This nucleotide position is not well conserved in available vertebrate species. In silico splice site analysis predicts that this alteration will not have any significant effect on splicing. Based on the available evidence, the clinical significance of this variant remains unclear.

Myriad Genetics, Inc.
Classification: Likely benign for Tuberous sclerosis 2. Last evaluated: 2025-06-05. Review status: criteria provided, single submitter. Criteria: Myriad Autosomal Dominant, Autosomal Recessive and X-Linked Classification Criteria (2023). Collection method: clinical testing. Allele origin: unknown.
Comment: This variant is considered likely benign. This variant is intronic and is not expected to impact mRNA splicing.

NM_000548.5(TSC2):c.4849+4C>A

Gene: TSC2 (TSC complex subunit 2; plus strand). Cytogenetic location: 16p13.3.
Variant type: single nucleotide variant.
Coding change: c.4849+4C>A on transcript NM_000548.5 (MANE Select); 4 bases into the intron after coding-DNA position 4849, C replaced by A.
Molecular consequence: intron variant.
Genome position (GRCh38, 1-based): chr16:2,086,383, C>A. VCF-style: chr16-2086383-C-A. GRCh37 (hg19) VCF-style: chr16-2136384-C-A.
Other names: c.4780+4C>A (NM_001114382.3); c.4720+4C>A (NM_021055.3, NM_001370405.1); c.4651+4C>A (NM_001363528.2); c.4717+4C>A (NM_001370404.1); c.4648+4C>A (NM_001077183.3); c.4540+4C>A (NM_001318827.2); c.4117+4C>A (NM_001318831.2); c.4504+4C>A (NM_001318829.2); and 1 more.
Identifiers: ClinVar variation 406111 (VCV000406111.8), dbSNP rs370426490, ClinGen allele CA16615176.